The following is an entry in ClinVar:

NM_016239.4(MYO15A):c.3866+12G>T

Gene: MYO15A (myosin XVA; plus strand). Cytogenetic location: 17p11.2.
Variant type: single nucleotide variant.
Coding change: c.3866+12G>T on transcript NM_016239.4 (MANE Select); 12 bases into the intron after coding-DNA position 3866, G replaced by T.
Molecular consequence: intron variant.
Genome position (GRCh38, 1-based): chr17:18,126,468, G>T. VCF-style: chr17-18126468-G-T. GRCh37 (hg19) VCF-style: chr17-18029782-G-T.
Identifiers: ClinVar variation 180060 (VCV000180060.7), dbSNP rs533500962, ClinGen allele CA185727.

ClinVar aggregate classification (germline): Likely benign. Review status: criteria provided, multiple submitters, no conflicts (2 of 4 stars). 2 submissions from 2 submitters: Likely benign (2). Last evaluated 2023-01-05.

gnomAD v4.1: 1 of 1,611,768 alleles (0.000062%); highest among the groups gnomAD compares: South Asian, 0.0011%; no homozygotes.

Submissions (2):

Labcorp Genetics (formerly Invitae), Labcorp
Classification: Likely benign. Last evaluated: 2023-01-05. Review status: criteria provided, single submitter. Criteria: Invitae Variant Classification Sherloc (09022015). Collection method: clinical testing. Allele origin: germline.

Laboratory for Molecular Medicine, Mass General Brigham Personalized Medicine
Classification: Likely benign. Last evaluated: 2014-11-18. Review status: criteria provided, single submitter. Criteria: LMM Criteria. Collection method: clinical testing. Allele origin: germline. Observed: 1 variant allele.
Comment: c.3866+12G>T in intron 5 of MYO15A: This variant is not expected to have clinica l significance because it is not located within the conserved splice consensus s equence and it is not predicted to impact splicing.